The following is an entry in ClinVar:

ClinVar aggregate classification (germline): Likely benign (0 of 4 stars; one submission).

Conditions:
HECW2-related disorder. Also called: HECW2-related condition.

Allele frequency attached by ClinVar (database versions not stated): gnomAD 0.00001; gnomAD exomes 0.00001; TOPMed 0.00001; ESP Exome Variant Server 0.00008.
gnomAD v4.1: 11 of 1,613,196 alleles (0.00068%); highest among the groups gnomAD compares: Non-Finnish European, 0.00059%; no homozygotes.

Submission:

PreventionGenetics, part of Exact Sciences
Classification: Likely benign for HECW2-related condition. Last evaluated: 2019-09-05. Review status: no assertion criteria provided. Collection method: clinical testing. Allele origin: germline.
Comment: This variant is classified as likely benign based on ACMG/AMP sequence variant interpretation guidelines (Richards et al. 2015 PMID: 25741868, with internal and published modifications).

NM_001348768.2(HECW2):c.3963G>A (p.Gln1321=)

Gene: HECW2 (HECT, C2 and WW domain containing E3 ubiquitin protein ligase 2; minus strand). Cytogenetic location: 2q32.3.
Variant type: single nucleotide variant.
Coding change: c.3963G>A on transcript NM_001348768.2 (MANE Select); coding-DNA position 3963, G replaced by A.
Protein change: p.Gln1321=; no amino-acid change (glutamine 1321 retained).
Molecular consequence: synonymous variant.
Genome position (GRCh38, 1-based): chr2:196,225,825, C>T on the plus strand (G>A on the coding strand, the complement: HECW2 is on the minus strand). VCF-style: chr2-196225825-C-T. GRCh37 (hg19) VCF-style: chr2-197090549-C-T.
Other names: c.2895G>A, p.Gln965= (NM_001304840.3); c.3963G>A, p.Gln1321= (NM_020760.4).
Identifiers: ClinVar variation 3053797 (VCV003053797.2), dbSNP rs137883828, ClinGen allele CA62755983.